The following is an entry in ClinVar:

NM_006390.4(IPO8):c.1053T>A (p.Ser351=)

Gene: IPO8 (importin 8; minus strand). Cytogenetic location: 12p11.21.
Variant type: single nucleotide variant.
Coding change: c.1053T>A on transcript NM_006390.4 (MANE Select); coding-DNA position 1053, T replaced by A.
Protein change: p.Ser351=; no amino-acid change (serine 351 retained).
Molecular consequence: synonymous variant.
Genome position (GRCh38, 1-based): chr12:30,669,274, A>T on the plus strand (T>A on the coding strand, the complement: IPO8 is on the minus strand). VCF-style: chr12-30669274-A-T. GRCh37 (hg19) VCF-style: chr12-30822208-A-T.
Other names: c.438T>A, p.Ser146= (NM_001190995.2).
Identifiers: ClinVar variation 2672494 (VCV002672494.23), dbSNP rs1367643176, ClinGen allele CA479132104.

ClinVar aggregate classification (germline): Likely benign (1 of 4 stars; one submission).

Allele frequency attached by ClinVar (database versions not stated): gnomAD exomes 0.00001; gnomAD 0.00002; TOPMed 0.00002.
gnomAD v4.1: 13 of 1,533,872 alleles (0.00085%); highest among the groups gnomAD compares: Non-Finnish European, 0.0011%; no homozygotes.

Submission:

CeGaT Center for Human Genetics Tuebingen
Classification: Likely benign. Last evaluated: 2023-11-01. Review status: criteria provided, single submitter. Criteria: CeGaT Center For Human Genetics Tuebingen Variant Classification Criteria Version 2. Collection method: clinical testing. Allele origin: germline. Affected: yes. Observed: 1 variant allele.
Comment: IPO8: BP4, BP7